The following is an entry in ClinVar:

NM_152415.3(VPS37A):c.512C>T (p.Thr171Ile)

Gene: VPS37A (VPS37A subunit of ESCRT-I; plus strand). Cytogenetic location: 8p22.
Variant type: single nucleotide variant.
Coding change: c.512C>T on transcript NM_152415.3 (MANE Select); coding-DNA position 512, C replaced by T.
Protein change: p.Thr171Ile; replaces threonine 171 with isoleucine.
Molecular consequence: missense variant.
Genome position (GRCh38, 1-based): chr8:17,274,828, C>T. VCF-style: chr8-17274828-C-T. GRCh37 (hg19) VCF-style: chr8-17132337-C-T.
Other names: c.437C>T, p.Thr146Ile (NM_001145152.2); c.512C>T, p.Thr171Ile (NM_001363167.1, NM_001363173.2); c.242C>T, p.Thr81Ile (NM_001363168.1, NM_001363169.1, NM_001363170.1 and 2 more transcripts); short protein forms T171I, T81I, T146I.
Identifiers: ClinVar variation 2720609 (VCV002720609.3), dbSNP rs200401367, ClinGen allele CA4643345.

ClinVar aggregate classification (germline): Uncertain significance (1 of 4 stars; one submission).

Conditions:
Hereditary spastic paraplegia 53. Also called: Spastic paraplegia 53, autosomal recessive. Identifiers: Orphanet 319199, MedGen C3539494, MONDO:0013962, OMIM 614898.

gnomAD v4.1: 16 of 1,614,032 alleles (0.00099%); highest among the groups gnomAD compares: African/African-American, 0.016%; no homozygotes.

Submission:

Labcorp Genetics (formerly Invitae), Labcorp
Classification: Uncertain significance for Hereditary spastic paraplegia 53. Last evaluated: 2023-11-09. Review status: criteria provided, single submitter. Criteria: Invitae Variant Classification Sherloc (09022015). Collection method: clinical testing. Allele origin: germline.
Comment: This sequence change replaces threonine, which is neutral and polar, with isoleucine, which is neutral and non-polar, at codon 171 of the VPS37A protein (p.Thr171Ile). This variant is present in population databases (rs200401367, gnomAD 0.02%). This variant has not been reported in the literature in individuals affected with VPS37A-related conditions. Advanced modeling of protein sequence and biophysical properties (such as structural, functional, and spatial information, amino acid conservation, physicochemical variation, residue mobility, and thermodynamic stability) performed at Invitae indicates that this missense variant is not expected to disrupt VPS37A protein function with a negative predictive value of 80%. In summary, the available evidence is currently insufficient to determine the role of this variant in disease. Therefore, it has been classified as a Variant of Uncertain Significance.